The following is an entry in ClinVar:

ClinVar aggregate classification (germline): Uncertain significance. Review status: criteria provided, multiple submitters, no conflicts (2 of 4 stars). 2 submissions from 2 submitters: Uncertain significance (2). Last evaluated 2024-06-08.

Conditions:
Fanconi anemia complementation group B (FANCB). Also called: FANCB-Related Fanconi Anemia; FANCONI PANCYTOPENIA, TYPE 2. Identifiers: Orphanet 84, MedGen C1845292, MONDO:0010351, OMIM 300514.
VACTERL association, X-linked, with or without hydrocephalus (VACTERLX). Also called: VACTERL-H, X-LINKED; VACTERL Association with Hydrocephalus, X-linked; X-linked VACTERL-H syndrome; VACTERL ASSOCIATION, X-LINKED. Identifiers: Orphanet 3412, MedGen C2931228, MONDO:0010752, OMIM 314390.
Fanconi anemia (FA). Also called: Fanconi's anemia. Identifiers: Orphanet 84, MedGen C0015625, MeSH D005199, MONDO:0019391.

Allele frequency attached by ClinVar (database versions not stated): gnomAD exomes below 0.00001.

Submissions (2):

Labcorp Genetics (formerly Invitae), Labcorp
Classification: Uncertain significance for Fanconi anemia. Last evaluated: 2024-06-08. Review status: criteria provided, single submitter. Criteria: Invitae Variant Classification Sherloc (09022015). Collection method: clinical testing. Allele origin: germline.
Comment: This sequence change replaces glutamine, which is neutral and polar, with proline, which is neutral and non-polar, at codon 198 of the FANCB protein (p.Gln198Pro). This variant is not present in population databases (gnomAD no frequency). This variant has not been reported in the literature in individuals affected with FANCB-related conditions. ClinVar contains an entry for this variant (Variation ID: 1011422). Advanced modeling of protein sequence and biophysical properties (such as structural, functional, and spatial information, amino acid conservation, physicochemical variation, residue mobility, and thermodynamic stability) performed at Invitae indicates that this missense variant is not expected to disrupt FANCB protein function with a negative predictive value of 80%. In summary, the available evidence is currently insufficient to determine the role of this variant in disease. Therefore, it has been classified as a Variant of Uncertain Significance.

Fulgent Genetics
Classification: Uncertain significance for Fanconi anemia complementation group B; VACTERL association, X-linked, with or without hydrocephalus. Last evaluated: 2022-02-24. Review status: criteria provided, single submitter. Criteria: ACMG Guidelines, 2015. Collection method: clinical testing. Allele origin: unknown.

NM_001018113.3(FANCB):c.593A>C (p.Gln198Pro)

Gene: FANCB (FA complementation group B; minus strand). Cytogenetic location: Xp22.2.
Variant type: single nucleotide variant.
Coding change: c.593A>C on transcript NM_001018113.3 (MANE Select); coding-DNA position 593, A replaced by C.
Protein change: p.Gln198Pro; replaces glutamine 198 with proline.
Molecular consequence: missense variant.
Genome position (GRCh38, 1-based): chrX:14,864,918, T>G on the plus strand (A>C on the coding strand, the complement: FANCB is on the minus strand). VCF-style: chrX-14864918-T-G. GRCh37 (hg19) VCF-style: chrX-14883040-T-G.
Other names: c.593A>C, p.Gln198Pro (NM_001324162.2, NM_152633.4); short protein forms Q198P.
Identifiers: ClinVar variation 1011422 (VCV001011422.9), dbSNP rs2092462570, ClinGen allele CA412444153.